The following is an entry in ClinVar:

ClinVar aggregate classification (germline): Pathogenic. Review status: criteria provided, multiple submitters, no conflicts (2 of 4 stars). 2 submissions from 2 submitters: Pathogenic (2). Last evaluated 2025-01-22.

Conditions:
Hereditary nonpolyposis colorectal neoplasms. Identifiers: MedGen C0009405, MeSH D003123.
Hereditary cancer-predisposing syndrome. Also called: Neoplastic Syndromes, Hereditary; Tumor predisposition; Hereditary Cancer Syndrome; Hereditary neoplastic syndrome. Identifiers: Orphanet 140162, MedGen C0027672, MeSH D009386, MONDO:0015356.

Submissions (2):

Labcorp Genetics (formerly Invitae), Labcorp
Classification: Pathogenic for Hereditary nonpolyposis colorectal neoplasms. Last evaluated: 2025-01-22. Review status: criteria provided, single submitter. Criteria: Invitae Variant Classification Sherloc (09022015). Collection method: clinical testing. Allele origin: germline.
Comment: This sequence change creates a premature translational stop signal (p.Lys766*) in the PMS2 gene. It is expected to result in an absent or disrupted protein product. Loss-of-function variants in PMS2 are known to be pathogenic (PMID: 21376568, 24362816). The frequency data for this variant in the population databases (gnomAD) is considered unreliable due to the presence of homologous sequence, such as pseudogenes or paralogs, in the genome. This variant has not been reported in the literature in individuals affected with PMS2-related conditions. ClinVar contains an entry for this variant (Variation ID: 484265). Algorithms developed to predict the effect of sequence changes on RNA splicing suggest that this variant may disrupt the consensus splice site. For these reasons, this variant has been classified as Pathogenic.

Ambry Genetics
Classification: Pathogenic for Hereditary cancer-predisposing syndrome. Last evaluated: 2018-01-24. Review status: criteria provided, single submitter. Criteria: Ambry Variant Classification Scheme 2023. Collection method: clinical testing. Allele origin: germline.
Comment: The p.K766* pathogenic mutation (also known as c.2296A>T), located in coding exon 14 of the PMS2 gene, results from an A to T substitution at nucleotide position 2296. This changes the amino acid from a lysine to a stop codon within coding exon 14. This alteration is expected to result in loss of function by premature protein truncation or nonsense-mediated mRNA decay. As such, this alteration is interpreted as a disease-causing mutation.

Literature cited by the submitters: PubMed 21376568 (cited by Labcorp Genetics (formerly Invitae), Labcorp); PubMed 24362816 (cited by Labcorp Genetics (formerly Invitae), Labcorp).

NM_000535.7(PMS2):c.2296A>T (p.Lys766Ter)

Gene: PMS2 (PMS1 homolog 2, mismatch repair system component; minus strand). Cytogenetic location: 7p22.1.
Variant type: single nucleotide variant.
Coding change: c.2296A>T on transcript NM_000535.7 (MANE Select); coding-DNA position 2296, A replaced by T.
Protein change: p.Lys766Ter; replaces lysine 766 with a stop codon.
Molecular consequence: nonsense.
Genome position (GRCh38, 1-based): chr7:5,977,737, T>A on the plus strand (A>T on the coding strand, the complement: PMS2 is on the minus strand). VCF-style: chr7-5977737-T-A. GRCh37 (hg19) VCF-style: chr7-6017368-T-A.
Other names: c.1891A>T, p.Lys631Ter (NM_001322003.2, NM_001322004.2, NM_001322005.2); c.2140A>T, p.Lys714Ter (NM_001322006.2); c.1978A>T, p.Lys660Ter (NM_001322007.2, NM_001322008.2); c.1924A>T, p.Lys642Ter (NM_001322009.2); c.1735A>T, p.Lys579Ter (NM_001322010.2); c.1363A>T, p.Lys455Ter (NM_001322011.2, NM_001322012.2); c.1723A>T, p.Lys575Ter (NM_001322013.2); c.2329A>T, p.Lys777Ter (NM_001322014.2); and 1 more; short protein forms K766*, K660*, K714*, K663*, K455*, K579*, K575*, K631*.
Identifiers: ClinVar variation 484265 (VCV000484265.7), dbSNP rs1554293991, ClinGen allele CA366736101.